The following is an entry in ClinVar:

NM_152416.4(NDUFAF6):c.850G>A (p.Ala284Thr)

Gene: NDUFAF6 (NADH:ubiquinone oxidoreductase complex assembly factor 6; plus strand). Cytogenetic location: 8q22.1.
Variant type: single nucleotide variant.
Coding change: c.850G>A on transcript NM_152416.4 (MANE Select); coding-DNA position 850, G replaced by A.
Protein change: p.Ala284Thr; replaces alanine 284 with threonine.
Molecular consequence: missense variant. On other transcripts: non-coding transcript variant (4), intron variant (2).
Genome position (GRCh38, 1-based): chr8:95,052,207, G>A. VCF-style: chr8-95052207-G-A. GRCh37 (hg19) VCF-style: chr8-96064435-G-A.
Other names: c.574G>A, p.Ala192Thr (NM_001330582.2, NM_001354514.2, NM_001354515.2); c.694G>A, p.Ala232Thr (NM_001354516.2); c.517G>A, p.Ala173Thr (NM_001354517.2, NM_001354518.2, NM_001354519.2); c.394G>A, p.Ala132Thr (NM_001354522.2, NM_001354524.2, NM_001354525.2 and 7 more transcripts); c.483+3649G>A (NM_001354534.2); c.540+3649G>A (NM_001354521.2); short protein forms A192T, A232T, A132T, A173T, A284T.
Identifiers: ClinVar variation 1499217 (VCV001499217.8), dbSNP rs1831515972, ClinGen allele CA371747600.
Genomic context (GRCh38, chr8:95,052,207, plus strand): 5'-CGAGCTTCCTCTCCTCTTCCTTTTTAGGCTAGGTCCTTTCACAAAACTGTTCCTGTGAAA[G>A]CATTTCCTGCTTTTCTTCAGACGGTAAGTAGATTAACAGAGAAGGCTGTATAATTAGTGA-3'
Protein context (NP_689629.2, residues 274-294): RSFHKTVPVK[Ala284Thr]FPAFLQTVSL

ClinVar aggregate classification (germline): Uncertain significance (1 of 4 stars; one submission).

Allele frequency attached by ClinVar (database versions not stated): TOPMed below 0.00001.
gnomAD v4.1: 3 of 1,614,090 alleles (0.00019%); highest among the groups gnomAD compares: Admixed American, 0.0017%; no homozygotes.

Submission:

Labcorp Genetics (formerly Invitae), Labcorp
Classification: Uncertain significance. Last evaluated: 2021-12-03. Review status: criteria provided, single submitter. Criteria: Invitae Variant Classification Sherloc (09022015). Collection method: clinical testing. Allele origin: germline.
Comment: This variant is not present in population databases (gnomAD no frequency). This sequence change replaces alanine, which is neutral and non-polar, with threonine, which is neutral and polar, at codon 284 of the NDUFAF6 protein (p.Ala284Thr). This variant has not been reported in the literature in individuals affected with NDUFAF6-related conditions. Algorithms developed to predict the effect of missense changes on protein structure and function (SIFT, PolyPhen-2, Align-GVGD) all suggest that this variant is likely to be tolerated. In summary, the available evidence is currently insufficient to determine the role of this variant in disease. Therefore, it has been classified as a Variant of Uncertain Significance.